The following is an entry in ClinVar:

NM_001267550.2(TTN):c.33063A>G (p.Glu11021=)

Gene: TTN (titin; minus strand). Cytogenetic location: 2q31.2.
Variant type: single nucleotide variant.
Coding change: c.33063A>G on transcript NM_001267550.2 (MANE Select); coding-DNA position 33063, A replaced by G.
Protein change: p.Glu11021=; no amino-acid change (glutamic acid 11021 retained).
Molecular consequence: synonymous variant. On other transcripts: intron variant (3).
Genome position (GRCh38, 1-based): chr2:178,682,728, T>C on the plus strand (A>G on the coding strand, the complement: TTN is on the minus strand). VCF-style: chr2-178682728-T-C. GRCh37 (hg19) VCF-style: chr2-179547455-T-C.
Other names: p.E10704E:GAA>GAG; p.Glu9777=; c.32112A>G, p.Glu10704= (NM_001256850.1); c.29331A>G, p.Glu9777= (NM_133378.4); c.13283-40411A>G (NM_003319.4); c.13859-40411A>G (NM_133437.4); c.13658-40411A>G (NM_133432.3).
Identifiers: ClinVar variation 46884 (VCV000046884.89), dbSNP rs115744476, ClinGen allele CA283135.

ClinVar aggregate classification (germline): Conflicting classifications of pathogenicity. Review status: criteria provided, conflicting classifications (1 of 4 stars). 25 submissions from 21 submitters: Uncertain significance (1); Benign (13); Likely benign (5). 6 of the submissions do not count toward it. Last evaluated 2026-09-01.

Conditions:
Dilated cardiomyopathy 1G (CMD1G). Identifiers: Orphanet 154, MedGen C1858763, MONDO:0011400, OMIM 604145.
Autosomal recessive limb-girdle muscular dystrophy type 2J (LGMDR10). Also called: MUSCULAR DYSTROPHY, LIMB-GIRDLE, AUTOSOMAL RECESSIVE 10; Limb-girdle muscular dystrophy, type 2J. Identifiers: Orphanet 140922, MedGen C1837342, MONDO:0012127, OMIM 608807.
Cardiovascular phenotype. Identifiers: MedGen CN230736.
Cardiomyopathy (CMYO). Also called: Cardiomyopathies. Identifiers: Orphanet 167848, MedGen C0878544, MONDO:0004994, HP:0001638. Inheritance: Various modes of inheritance.
Early-onset myopathy with fatal cardiomyopathy (CMYO5). Also called: CONGENITAL MYOPATHY 5 WITH CARDIOMYOPATHY; Salih Myopathy. Identifiers: Orphanet 289377, MedGen C2673677, MONDO:0012714, OMIM 611705. Disease mechanism: loss of function.
Tibial muscular dystrophy (TMD). Also called: Udd Distal Myopathy – Tibial Muscular Dystrophy; Tibial muscular dystrophy, tardive; UDD MYOPATHY. Identifiers: Orphanet 609, MedGen C1838244, MONDO:0010870, OMIM 600334.
Myopathy, myofibrillar, 9, with early respiratory failure (MFM9). Also called: Myopathy, distal, with early respiratory failure, autosomal dominant; Hereditary myopathy with early respiratory failure; MYOPATHY, PROXIMAL, WITH EARLY RESPIRATORY MUSCLE INVOLVEMENT; EDSTROM MYOPATHY. Identifiers: Orphanet 178464, Orphanet 34521, MedGen C1863599, MONDO:0011362, OMIM 603689.

Allele frequency attached by ClinVar (database versions not stated): gnomAD 0.00640 and 0.00623; 1000 Genomes Project 30x 0.00406; 1000 Genomes Project 0.00459; ExAC 0.00560; gnomAD exomes 0.00590 and 0.00892; TOPMed 0.00652; ESP Exome Variant Server 0.00657.
gnomAD v4.1: 13,893 of 1,612,750 alleles (0.86%); highest among the groups gnomAD compares: Admixed American, 1.1%; 84 homozygotes.

Submissions (25):

CeGaT Center for Human Genetics Tuebingen
Classification: Benign. Last evaluated: 2026-09-01. Review status: criteria provided, single submitter. Criteria: CeGaT Center For Human Genetics Tuebingen Variant Classification Criteria Version 2. Collection method: clinical testing. Allele origin: germline. Affected: yes. Observed: 79 variant alleles.
Comment: TTN: BP4, BP7, BS1, BS2

Labcorp Genetics (formerly Invitae), Labcorp
Classification: Benign for Dilated cardiomyopathy 1G; Autosomal recessive limb-girdle muscular dystrophy type 2J. Last evaluated: 2026-02-04. Review status: criteria provided, single submitter. Criteria: Invitae Variant Classification Sherloc (09022015). Collection method: clinical testing. Allele origin: germline.

ARUP Laboratories, Molecular Genetics and Genomics, ARUP Laboratories
Classification: Benign. Last evaluated: 2025-07-28. Review status: criteria provided, single submitter. Criteria: ARUP Molecular Germline Variant Investigation Process 2024. Collection method: clinical testing. Allele origin: germline.

Blueprint Genetics
Classification: Likely benign. Last evaluated: 2024-11-21. Review status: criteria provided, single submitter. Criteria: ACMG Guidelines, 2015. Collection method: clinical testing. Allele origin: germline.

Mayo Clinic Laboratories, Mayo Clinic
Classification: Benign. Last evaluated: 2022-10-19. Review status: criteria provided, single submitter. Criteria: ACMG Guidelines, 2015. Collection method: clinical testing. Allele origin: germline. Observed: 37 variant alleles.

Women's Health and Genetics/Laboratory Corporation of America, LabCorp
Classification: Benign. Last evaluated: 2019-08-09. Review status: criteria provided, single submitter. Criteria: LabCorp Variant Classification Summary - May 2015. Collection method: clinical testing. Allele origin: germline.

Athena Diagnostics
Classification: Benign. Last evaluated: 2019-04-24. Review status: criteria provided, single submitter. Criteria: Athena Diagnostics Criteria. Collection method: clinical testing. Allele origin: germline.

Illumina Laboratory Services, Illumina
Classification: Likely benign for Dilated cardiomyopathy 1G. Last evaluated: 2018-01-13. Review status: criteria provided, single submitter. Criteria: ICSL Variant Classification Criteria 13 December 2019. Collection method: clinical testing. Allele origin: germline.
Comment: This variant was observed in the ICSL laboratory as part of a predisposition screen in an ostensibly healthy population. It had not been previously curated by ICSL or reported in the Human Gene Mutation Database (HGMD: prior to June 1st, 2018), and was therefore a candidate for classification through an automated scoring system. Utilizing variant allele frequency, disease prevalence and penetrance estimates, and inheritance mode, an automated score was calculated to assess if this variant is too frequent to cause the disease. Based on the score and internal cut-off values, a variant classified as likely benign is not then subjected to further curation. The score for this variant resulted in a classification of likely benign for this disease.

Illumina Laboratory Services, Illumina
Classification: Uncertain significance for Autosomal recessive limb-girdle muscular dystrophy type 2J. Last evaluated: 2018-01-13. Review status: criteria provided, single submitter. Criteria: ICSL Variant Classification Criteria 13 December 2019. Collection method: clinical testing. Allele origin: germline.

Illumina Laboratory Services, Illumina
Classification: Likely benign for Early-onset myopathy with fatal cardiomyopathy. Last evaluated: 2018-01-13. Review status: criteria provided, single submitter. Criteria: ICSL Variant Classification Criteria 13 December 2019. Collection method: clinical testing. Allele origin: germline.
Comment: the same text as in the submission from Illumina Laboratory Services, Illumina above.

Illumina Laboratory Services, Illumina
Classification: Benign for Myopathy, myofibrillar, 9, with early respiratory failure. Last evaluated: 2018-01-13. Review status: criteria provided, single submitter. Criteria: ICSL Variant Classification Criteria 13 December 2019. Collection method: clinical testing. Allele origin: germline.
Comment: This variant was observed in the ICSL laboratory as part of a predisposition screen in an ostensibly healthy population. It had not been previously curated by ICSL or reported in the Human Gene Mutation Database (HGMD: prior to June 1st, 2018), and was therefore a candidate for classification through an automated scoring system. Utilizing variant allele frequency, disease prevalence and penetrance estimates, and inheritance mode, an automated score was calculated to assess if this variant is too frequent to cause the disease. Based on the score and internal cut-off values, a variant classified as benign is not then subjected to further curation. The score for this variant resulted in a classification of benign for this disease.

Illumina Laboratory Services, Illumina
Classification: Benign for Tibial muscular dystrophy. Last evaluated: 2018-01-13. Review status: criteria provided, single submitter. Criteria: ICSL Variant Classification Criteria 13 December 2019. Collection method: clinical testing. Allele origin: germline.
Comment: the same text as in the submission from Illumina Laboratory Services, Illumina above.

CHEO Genetics Diagnostic Laboratory, Children's Hospital of Eastern Ontario
Classification: Benign for Cardiomyopathy. Last evaluated: 2017-08-18. Review status: criteria provided, single submitter. Criteria: ACMG Guidelines, 2015. Collection method: clinical testing. Allele origin: germline. Study: Canadian Open Genetics Repository.

Eurofins Ntd Llc (ga)
Classification: Benign. Last evaluated: 2015-06-29. Review status: criteria provided, single submitter. Criteria: EGL Classification Definitions 2015. Collection method: clinical testing. Allele origin: germline. Observed: 3 variant alleles, 3 heterozygotes.

GeneDx
Classification: Benign. Last evaluated: 2014-01-02. Review status: criteria provided, single submitter. Criteria: GeneDx Variant Classification (06012015). Collection method: clinical testing. Allele origin: germline. Affected: yes.
Comment: This variant is considered likely benign or benign based on one or more of the following criteria: it is a conservative change, it occurs at a poorly conserved position in the protein, it is predicted to be benign by multiple in silico algorithms, and/or has population frequency not consistent with disease.

Ambry Genetics
Classification: Likely benign for Cardiovascular phenotype. Last evaluated: 2012-08-08. Review status: criteria provided, single submitter. Criteria: Ambry Autosomal Dominant and X-Linked criteria (10/2015). Collection method: clinical testing. Allele origin: germline. Observed: 1 variant allele.

Laboratory for Molecular Medicine, Mass General Brigham Personalized Medicine
Classification: Benign. Last evaluated: 2012-05-10. Review status: criteria provided, single submitter. Criteria: LMM Criteria. Collection method: clinical testing. Allele origin: germline. Observed: 28 variant alleles.
Comment: Glu9777Glu in Exon 132 of TTN: This variant is not expected to have clinical sig nificance because it does not alter an amino acid residue, is not located within the splice consensus sequence and has been identified in 0.8% (54/6636) of Euro pean American chromosomes from a broad population by the NHLBI Exome Sequencing Project (dbSNP rs115744476).

Molecular Diagnostic Laboratory for Inherited Cardiovascular Disease, Montreal Heart Institute
Classification: Likely benign. Review status: criteria provided, single submitter. Criteria: ACMG Guidelines, 2015. Collection method: clinical testing. Allele origin: germline. Affected: yes.

PreventionGenetics, part of Exact Sciences
Classification: Benign. Review status: criteria provided, single submitter. Criteria: ACMG Guidelines, 2015. Collection method: clinical testing. Allele origin: germline.

Clinical Genetics DNA and cytogenetics Diagnostics Lab, Erasmus MC, Erasmus Medical Center
Classification: Likely benign. Review status: no assertion criteria provided. Collection method: clinical testing. Allele origin: germline. Affected: yes. Study: VKGL Data-share Consensus. Not counted in ClinVar's aggregate classification.

Clinical Genetics, Academic Medical Center
Classification: Benign. Review status: no assertion criteria provided. Collection method: clinical testing. Allele origin: germline. Affected: yes. Study: VKGL Data-share Consensus. Not counted in ClinVar's aggregate classification.

Diagnostic Laboratory, Department of Genetics, University Medical Center Groningen
Classification: Likely benign. Review status: no assertion criteria provided. Collection method: clinical testing. Allele origin: germline. Affected: yes. Study: VKGL Data-share Consensus. Not counted in ClinVar's aggregate classification.

Genetic Services Laboratory, University of Chicago
Classification: Likely benign for AllHighlyPenetrant. Review status: no assertion criteria provided. Collection method: clinical testing. Allele origin: germline. Not counted in ClinVar's aggregate classification.
Comment: Likely benign based on allele frequency in 1000 Genomes Project or ESP global frequency and its presence in a patient with a rare or unrelated disease phenotype. NOT Sanger confirmed.

Joint Genome Diagnostic Labs from Nijmegen and Maastricht, Radboudumc and MUMC+
Classification: Benign. Review status: no assertion criteria provided. Collection method: clinical testing. Allele origin: germline. Affected: yes. Study: VKGL Data-share Consensus. Not counted in ClinVar's aggregate classification.

Laboratory of Diagnostic Genome Analysis, Leiden University Medical Center (LUMC)
Classification: Likely benign. Review status: no assertion criteria provided. Collection method: clinical testing. Allele origin: germline. Affected: yes. Study: VKGL Data-share Consensus. Not counted in ClinVar's aggregate classification.